The following is an entry in ClinVar:

ClinVar aggregate classification (germline): Uncertain significance (1 of 4 stars; one submission).

Conditions:
POLD1-related polyposis and colorectal cancer syndrome (CRCS10). Also called: Colorectal cancer 10; COLORECTAL CANCER, SUSCEPTIBILITY TO, ON CHROMOSOME 19q; Colorectal cancer, susceptibility to, 10. Identifiers: Orphanet 220460, MedGen C2675481, MONDO:0012953, OMIM 612591.

Submission:

Labcorp Genetics (formerly Invitae), Labcorp
Classification: Uncertain significance for POLD1-related polyposis and colorectal cancer syndrome. Last evaluated: 2024-03-07. Review status: criteria provided, single submitter. Criteria: Invitae Variant Classification Sherloc (09022015). Collection method: clinical testing. Allele origin: germline.
Comment: This sequence change replaces glutamic acid, which is acidic and polar, with aspartic acid, which is acidic and polar, at codon 346 of the POLD1 protein (p.Glu346Asp). This variant is not present in population databases (gnomAD no frequency). This variant has not been reported in the literature in individuals affected with POLD1-related conditions. Advanced modeling of protein sequence and biophysical properties (such as structural, functional, and spatial information, amino acid conservation, physicochemical variation, residue mobility, and thermodynamic stability) performed at Invitae indicates that this missense variant is not expected to disrupt POLD1 protein function with a negative predictive value of 80%. In summary, the available evidence is currently insufficient to determine the role of this variant in disease. Therefore, it has been classified as a Variant of Uncertain Significance.

NM_002691.4(POLD1):c.1038G>T (p.Glu346Asp)

Gene: POLD1 (DNA polymerase delta 1, catalytic subunit; plus strand). Cytogenetic location: 19q13.33.
Variant type: single nucleotide variant.
Coding change: c.1038G>T on transcript NM_002691.4 (MANE Select); coding-DNA position 1038, G replaced by T.
Protein change: p.Glu346Asp; replaces glutamic acid 346 with aspartic acid.
Molecular consequence: missense variant. On other transcripts: non-coding transcript variant (1).
Genome position (GRCh38, 1-based): chr19:50,403,120, G>T. VCF-style: chr19-50403120-G-T. GRCh37 (hg19) VCF-style: chr19-50906377-G-T.
Other names: c.1038G>T, p.Glu346Asp (NM_001308632.1, NM_001256849.1); short protein forms E346D.
Identifiers: ClinVar variation 3686281 (VCV003686281.2).
Genomic context (GRCh38, chr19:50,403,120, plus strand): 5'-CCCTGAGCCTGAGCGGGACCCTGTCATCCAGATCTGCTCGCTGGGCCTGCGCTGGGGGGA[G>T]CCGGAGCCCTTCCTACGCCTGGCGCTCACCCTGCGGCCCTGTGCCCCCATCCTGGGTGCC-3'
Protein context (NP_002682.2, residues 336-356): QICSLGLRWG[Glu346Asp]PEPFLRLALT